The following is an entry in ClinVar:

NM_001195626.3(MLLT10):c.195G>A (p.Pro65=)

Gene: MLLT10 (MLLT10 histone lysine methyltransferase DOT1L cofactor; plus strand). Cytogenetic location: 10p12.31.
Variant type: single nucleotide variant.
Coding change: c.195G>A on transcript NM_001195626.3 (MANE Select); coding-DNA position 195, G replaced by A.
Protein change: p.Pro65=; no amino-acid change (proline 65 retained).
Molecular consequence: synonymous variant. On other transcripts: 5 prime UTR variant (1), non-coding transcript variant (1).
Genome position (GRCh38, 1-based): chr10:21,538,867, G>A. VCF-style: chr10-21538867-G-A. GRCh37 (hg19) VCF-style: chr10-21827796-G-A.
Other names: c.195G>A, p.Pro65= (NM_001195627.2, NM_001195628.2, NM_001195630.2 and 2 more transcripts); c.-881G>A (NM_001324297.2).
Identifiers: ClinVar variation 3055784 (VCV003055784.2), dbSNP rs1802669, ClinGen allele CA5434345.

ClinVar aggregate classification (germline): Benign (0 of 4 stars; one submission).

Conditions:
MLLT10-related disorder. Also called: MLLT10-related condition.

Allele frequency attached by ClinVar (database versions not stated): 1000 Genomes Project 0.27736; 1000 Genomes Project 30x 0.28201; TOPMed 0.35012; ESP Exome Variant Server 0.36645.
gnomAD v4.1: 535,523 of 1,609,888 alleles (33%); highest among the groups gnomAD compares: Middle Eastern, 47%; 93,421 homozygotes.

Submission:

PreventionGenetics, part of Exact Sciences
Classification: Benign for MLLT10-related condition. Last evaluated: 2019-09-24. Review status: no assertion criteria provided. Collection method: clinical testing. Allele origin: germline.
Comment: This variant is classified as benign based on ACMG/AMP sequence variant interpretation guidelines (Richards et al. 2015 PMID: 25741868, with internal and published modifications).